The following is an entry in ClinVar:

ClinVar aggregate classification (germline): Uncertain significance (1 of 4 stars; one submission).

Conditions:
Muscular dystrophy-dystroglycanopathy (congenital with brain and eye anomalies), type A, 7. Also called: WALKER-WARBURG SYNDROME OR MUSCLE-EYE-BRAIN DISEASE, ISPD-RELATED; Congenital muscular dystrophy-dystroglycanopathy with brain and eye anomalies, type A7. Identifiers: Orphanet 899, MedGen C3553330, MONDO:0013835, OMIM 614643.
Autosomal recessive limb-girdle muscular dystrophy type 2U. Also called: Muscular dystrophy-dystroglycanopathy (limb-girdle), type c, 7; MUSCULAR DYSTROPHY, LIMB-GIRDLE, TYPE 2U. Identifiers: Orphanet 352479, MedGen C5190987, MONDO:0014474, OMIM 616052.

Allele frequency attached by ClinVar (database versions not stated): gnomAD exomes 0.00001 and 0.00004; gnomAD 0.00002; TOPMed 0.00002; ExAC 0.00003.

Submission:

Labcorp Genetics (formerly Invitae), Labcorp
Classification: Uncertain significance for Muscular dystrophy-dystroglycanopathy (congenital with brain and eye anomalies), type A, 7; Autosomal recessive limb-girdle muscular dystrophy type 2U. Last evaluated: 2022-03-08. Review status: criteria provided, single submitter. Criteria: Invitae Variant Classification Sherloc (09022015). Collection method: clinical testing. Allele origin: germline.
Comment: In summary, the available evidence is currently insufficient to determine the role of this variant in disease. Therefore, it has been classified as a Variant of Uncertain Significance. Algorithms developed to predict the effect of missense changes on protein structure and function (SIFT, PolyPhen-2, Align-GVGD) all suggest that this variant is likely to be tolerated. This variant has not been reported in the literature in individuals affected with ISPD-related conditions. This variant is present in population databases (rs763300192, gnomAD 0.02%). This sequence change replaces methionine, which is neutral and non-polar, with valine, which is neutral and non-polar, at codon 102 of the ISPD protein (p.Met102Val).

NM_001101426.4(CRPPA):c.304A>G (p.Met102Val)

Gene: CRPPA (CDP-L-ribitol pyrophosphorylase A; minus strand). Cytogenetic location: 7p21.2.
Variant type: single nucleotide variant.
Coding change: c.304A>G on transcript NM_001101426.4 (MANE Select); coding-DNA position 304, A replaced by G.
Protein change: p.Met102Val; replaces methionine 102 with valine.
Molecular consequence: missense variant. On other transcripts: non-coding transcript variant (1).
Genome position (GRCh38, 1-based): chr7:16,406,291, T>C on the plus strand (A>G on the coding strand, the complement: CRPPA is on the minus strand). VCF-style: chr7-16406291-T-C. GRCh37 (hg19) VCF-style: chr7-16445916-T-C.
Other names: c.304A>G, p.Met102Val (NM_001101417.4, NM_001368197.1); short protein forms M102V.
Identifiers: ClinVar variation 1680800 (VCV001680800.8), dbSNP rs763300192, ClinGen allele CA4169637.
Genomic context (GRCh38, chr7:16,406,291, plus strand): 5'-CTTCGACCAGTGAGATGCGTTTATGCTGATACTTCTGAATAATACTTTTCATTACTTCCA[T>C]GTTCTCTCCAGTTACTGCCACAACAATGTCCTTTATCCAACATACTCTAAAAGGAAAGTA-3'
Protein context (NP_001094896.1, residues 92-112): DIVVAVTGEN[Met102Val]EVMKSIIQKY